The following is an entry in ClinVar:

ClinVar aggregate classification (germline): Uncertain significance (1 of 4 stars; one submission).

Conditions:
Breast-ovarian cancer, familial, susceptibility to, 1 (BROVCA1). Also called: BRCA1 Hereditary Breast and Ovarian Cancer; OVARIAN CANCER, SUSCEPTIBILITY TO. Identifiers: Orphanet 145, MedGen C2676676, MONDO:0011450, OMIM 604370. Disease mechanism: loss of function.

Submission:

Institute of Immunology and Genetics Kaiserslautern
Classification: Uncertain significance for Breast-ovarian cancer, familial, susceptibility to, 1. Last evaluated: 2025-07-30. Review status: criteria provided, single submitter. Criteria: ACMG Guidelines, 2015. Collection method: clinical testing. Allele origin: germline. Affected: yes.
Comment: ACMG Criteria: PM2_P, PM4.

NM_000179.3(MSH6):c.2808_2813del (p.Tyr937_Asp938del)

Gene: MSH6 (mutS homolog 6; plus strand). Cytogenetic location: 2p16.3.
Variant type: Deletion.
Coding change: c.2808_2813del on transcript NM_000179.3 (MANE Select); coding-DNA positions 2808 to 2813, 6 bases deleted (TTATGA; older notation c.2808_2813delTTATGA).
Protein change: p.Tyr937_Asp938del.
Molecular consequence: inframe deletion. On other transcripts: inframe indel (1), non-coding transcript variant (5), intron variant (2).
Genome position (GRCh38, 1-based): chr2:47,800,791-47,800,796, TTATGA deleted; deleting any 6 consecutive bases within chr2:47,800,788-47,800,796 gives the same sequence; the c. name uses the placement nearest the transcript's 3' end. VCF-style (leftmost placement, unchanged base first): chr2-47800787-CTGATTA-C. GRCh37 (hg19) VCF-style: chr2-48027926-CTGATTA-C.
Other names: c.2808_2813delTTATGA, p.Tyr937_Asp938del (NM_000179.2); c.2418_2423del, p.Tyr807_Asp808del (NM_001281492.2); c.1902_1907del, p.Tyr635_Asp636del (NM_001281493.2, NM_001281494.2, NM_001406811.1 and 6 more transcripts); c.2904_2909del, p.Tyr969_Asp970del (NM_001406795.1, NM_001406802.1); c.2808_2813del, p.Tyr937_Asp938del (NM_001406796.1, NM_001406798.1, NM_001406800.1 and 2 more transcripts); c.2511_2516del, p.Tyr838_Asp839del (NM_001406797.1, NM_001406801.1, NM_001406805.1 and 10 more transcripts); c.2283_2288del, p.Tyr762_Asp763del (NM_001406799.1, NM_001406806.1, NM_001406807.1); c.2730_2735del, p.Tyr911_Asp912del (NM_001406804.1); and 5 more.
Identifiers: ClinVar variation 4279057 (VCV004279057.1).